The following is an entry in ClinVar:

NM_017534.6(MYH2):c.2329G>T (p.Gly777Trp)

Genes: MYH2 (myosin heavy chain 2; minus strand), MYHAS (myosin heavy chain gene cluster antisense RNA; plus strand). Cytogenetic location: 17p13.1.
Variant type: single nucleotide variant.
Coding change: c.2329G>T on transcript NM_017534.6 (MANE Select); coding-DNA position 2329, G replaced by T.
Protein change: p.Gly777Trp; replaces glycine 777 with tryptophan.
Molecular consequence: missense variant.
Genome position (GRCh38, 1-based): chr17:10,533,397, C>A on the plus strand (G>T on the coding strand, the complement: MYH2 is on the minus strand). VCF-style: chr17-10533397-C-A. GRCh37 (hg19) VCF-style: chr17-10436714-C-A.
Other names: c.2329G>T, p.Gly777Trp (NM_001100112.2); short protein forms G777W.
Identifiers: ClinVar variation 1193806 (VCV001193806.2), dbSNP rs2142305536, ClinGen allele CA398148522.

ClinVar aggregate classification (germline): Uncertain significance (1 of 4 stars; one submission).

Submission:

GeneDx
Classification: Uncertain significance. Last evaluated: 2020-11-11. Review status: criteria provided, single submitter. Criteria: GeneDx Variant Classification Process June 2021. Collection method: clinical testing. Allele origin: germline. Affected: yes.
Comment: Not observed in large population cohorts (Lek et al., 2016); In silico analysis, which includes protein predictors and evolutionary conservation, supports a deleterious effect; Has not been previously published as pathogenic or benign to our knowledge